The following is an entry in ClinVar:

ClinVar aggregate classification (germline): Likely benign (1 of 4 stars; one submission).

gnomAD v4.1: 1,627 of 1,612,556 alleles (0.1%); highest among the groups gnomAD compares: Non-Finnish European, 0.033%; 10 homozygotes.

Submission:

CeGaT Center for Human Genetics Tuebingen
Classification: Likely benign. Last evaluated: 2025-10-01. Review status: criteria provided, single submitter. Criteria: CeGaT Center For Human Genetics Tuebingen Variant Classification Criteria Version 2. Collection method: clinical testing. Allele origin: germline. Affected: yes. Observed: 1 variant allele.
Comment: SLC4A10: BP4, BP7

NM_001178015.2(SLC4A10):c.1074T>C (p.Leu358=)

Gene: SLC4A10 (solute carrier family 4 member 10; plus strand). Cytogenetic location: 2q24.2.
Variant type: single nucleotide variant.
Coding change: c.1074T>C on transcript NM_001178015.2 (MANE Select); coding-DNA position 1074, T replaced by C.
Protein change: p.Leu358=; no amino-acid change (leucine 358 retained).
Molecular consequence: synonymous variant.
Genome position (GRCh38, 1-based): chr2:161,879,256, T>C. VCF-style: chr2-161879256-T-C. GRCh37 (hg19) VCF-style: chr2-162735766-T-C.
Other names: c.1017T>C, p.Leu339= (NM_001178016.2, NM_001354445.2); c.1074T>C, p.Leu358= (NM_001354440.2); c.1107T>C, p.Leu369= (NM_001354441.2, NM_001354442.2); c.1020T>C, p.Leu340= (NM_001354443.2, NM_001354447.2); c.1071T>C, p.Leu357= (NM_001354444.2); c.984T>C, p.Leu328= (NM_001354446.2, NM_001354450.2, NM_022058.4); c.1014T>C, p.Leu338= (NM_001354448.2); c.981T>C, p.Leu327= (NM_001354449.2, NM_001354451.2); and 3 more.
Identifiers: ClinVar variation 4533517 (VCV004533517.6).
Genomic context (GRCh38, chr2:161,879,256, plus strand): 5'-ACTGGAGTTCTTGGATCGAACAGTAGTTGCGTTTGTCAGGTTGTCTCCAGCTGTATTGCT[T>C]CAAGGACTGGCTGAAGTCCCAATCCCAACCAGGTAAAAAGTATAAAAGCGTCTTTTGTAT-3'
Protein context (NP_001171486.1, residues 348-368): AFVRLSPAVL[Leu358=]QGLAEVPIPT